The following is an entry in ClinVar:

NM_001042492.3(NF1):c.354C>T (p.Cys118=)

Gene: NF1 (neurofibromin 1; plus strand). Cytogenetic location: 17q11.2.
Variant type: single nucleotide variant.
Coding change: c.354C>T on transcript NM_001042492.3 (MANE Select); coding-DNA position 354, C replaced by T.
Protein change: p.Cys118=; no amino-acid change (cysteine 118 retained).
Molecular consequence: synonymous variant.
Genome position (GRCh38, 1-based): chr17:31,163,251, C>T. VCF-style: chr17-31163251-C-T. GRCh37 (hg19) VCF-style: chr17-29490269-C-T.
Other names: c.354C>T, p.Cys118= (NM_000267.4, NM_001128147.3).
Identifiers: ClinVar variation 185589 (VCV000185589.45), dbSNP rs768777585, ClinGen allele CA192349.

ClinVar aggregate classification (germline): Conflicting classifications of pathogenicity. Review status: criteria provided, conflicting classifications (1 of 4 stars). 14 submissions from 11 submitters: Uncertain significance (2); Benign (3); Likely benign (8). 1 of the submissions does not count toward it. Last evaluated 2026-05-14.

Conditions:
NF1-related disorder. Also called: NF1-related condition. Identifiers: MedGen CN379171.
Hereditary cancer-predisposing syndrome. Also called: Tumor predisposition; Neoplastic Syndromes, Hereditary; Hereditary Cancer Syndrome; Hereditary neoplastic syndrome. Identifiers: Orphanet 140162, MedGen C0027672, MeSH D009386, MONDO:0015356.
Café-au-lait macules with pulmonary stenosis (WTSN). Also called: PULMONIC STENOSIS WITH CAFE-AU-LAIT SPOTS. Identifiers: MedGen C0553586, MONDO:0008672, OMIM 193520.
Neurofibromatosis-Noonan syndrome (NFNS). Also called: NEUROFIBROMATOSIS WITH NOONAN PHENOTYPE. Identifiers: Orphanet 638, MedGen C2931482, MONDO:0011035, OMIM 601321. Disease mechanism: loss of function.
Neurofibromatosis, familial spinal (FSNF). Identifiers: Orphanet 636, MedGen C1834235, MONDO:0008078, OMIM 162210. Disease mechanism: loss of function.
Neurofibromatosis, type 1 (NF1). Also called: Peripheral type neurofibromatosis; Neurofibromatosis, type I; NEUROFIBROMATOSIS, TYPE I, SOMATIC; VON RECKLINGHAUSEN DISEASE. Identifiers: Orphanet 636, MedGen C0027831, MONDO:0018975, OMIM 162200. Disease mechanism: loss of function.

Allele frequency attached by ClinVar (database versions not stated): gnomAD 0.00001; TOPMed 0.00002; gnomAD exomes 0.00003 and 0.00005; ExAC 0.00007.
gnomAD v4.1: 51 of 1,614,000 alleles (0.0032%); highest among the groups gnomAD compares: Middle Eastern, 0.049%; no homozygotes.

Submissions (14):

Myriad Genetics, Inc.
Classification: Benign for Neurofibromatosis, type 1. Last evaluated: 2026-05-14. Review status: criteria provided, single submitter. Criteria: Myriad Autosomal Dominant, Autosomal Recessive and X-Linked Classification Criteria (2023). Collection method: clinical testing. Allele origin: unknown.
Comment: This variant is considered benign. This variant is a silent/synonymous amino acid change and it is not expected to impact splicing.

Labcorp Genetics (formerly Invitae), Labcorp
Classification: Likely benign for Neurofibromatosis, type 1. Last evaluated: 2026-01-28. Review status: criteria provided, single submitter. Criteria: Invitae Variant Classification Sherloc (09022015). Collection method: clinical testing. Allele origin: germline.

CeGaT Center for Human Genetics Tuebingen
Classification: Likely benign. Last evaluated: 2025-07-01. Review status: criteria provided, single submitter. Criteria: CeGaT Center For Human Genetics Tuebingen Variant Classification Criteria Version 2. Collection method: clinical testing. Allele origin: germline. Affected: yes. Observed: 2 variant alleles.
Comment: NF1: BP4

KCCC/NGS Laboratory, Kuwait Cancer Control Center
Classification: Benign for Neurofibromatosis, type 1. Last evaluated: 2025-02-01. Review status: criteria provided, single submitter. Criteria: ACMG Guidelines, 2015. Collection method: clinical testing. Allele origin: germline. Affected: no.

Blueprint Genetics
Classification: Likely benign. Last evaluated: 2024-11-07. Review status: criteria provided, single submitter. Criteria: ACMG Guidelines, 2015. Collection method: clinical testing. Allele origin: germline.

Sema4
Classification: Uncertain significance for Hereditary cancer-predisposing syndrome. Last evaluated: 2022-03-18. Review status: criteria provided, single submitter. Criteria: Sema4 Curation Guidelines. Collection method: curation. Allele origin: germline.
Comment: The NF1 c.354C>T (p.C118=) variant has not been reported in the literature to our knowledge. It was observed in 5/30614 chromosomes of the South Asian subpopulation in the large and broad cohorts of the Genome Aggregation Database (PMID: 32461654). This variant has been reported in ClinVar (Variation ID 185589). In silico tools suggest the variant may potentially have an impact on splicing, though these predictions have not been confirmed by functional studies. The evidence is insufficient to meet ACMG/AMP criteria for classifying the variant as benign or pathogenic. Thus, the clinical significance of this variant is currently uncertain.

Women's Health and Genetics/Laboratory Corporation of America, LabCorp
Classification: Likely benign. Last evaluated: 2020-07-16. Review status: criteria provided, single submitter. Criteria: LabCorp Variant Classification Summary - May 2015. Collection method: clinical testing. Allele origin: germline.

GeneDx
Classification: Uncertain significance. Last evaluated: 2018-02-15. Review status: criteria provided, single submitter. Criteria: GeneDx Variant Classification (06012015). Collection method: clinical testing. Allele origin: germline. Affected: yes.
Comment: This variant is denoted NF1 c.354C>T at the DNA level. It is silent at the coding level, preserving a Cysteine at codon 118. In silico analysis, which includes splice predictors and evolutionary conservation, supports that this variant does not alter protein structure/function. This variant has not, to our knowledge, been published in the literature as pathogenic or benign. NF1 c.354C>T was not observed at a significant allele frequency in large population cohorts (Lek 2016). Based on currently available evidence, it is unclear whether NF1 c.354C>T is a pathogenic or benign variant. We consider it to be a variant of uncertain significance.

Illumina Laboratory Services, Illumina
Classification: Likely benign for Café-au-lait macules with pulmonary stenosis. Last evaluated: 2018-01-13. Review status: criteria provided, single submitter. Criteria: ICSL Variant Classification Criteria 13 December 2019. Collection method: clinical testing. Allele origin: germline.
Comment: This variant was observed in the ICSL laboratory as part of a predisposition screen in an ostensibly healthy population. It had not been previously curated by ICSL or reported in the Human Gene Mutation Database (HGMD: prior to June 1st, 2018), and was therefore a candidate for classification through an automated scoring system. Utilizing variant allele frequency, disease prevalence and penetrance estimates, and inheritance mode, an automated score was calculated to assess if this variant is too frequent to cause the disease. Based on the score and internal cut-off values, a variant classified as likely benign is not then subjected to further curation. The score for this variant resulted in a classification of likely benign for this disease.

Illumina Laboratory Services, Illumina
Classification: Likely benign for Neurofibromatosis, familial spinal. Last evaluated: 2018-01-13. Review status: criteria provided, single submitter. Criteria: ICSL Variant Classification Criteria 13 December 2019. Collection method: clinical testing. Allele origin: germline.
Comment: the same text as in the submission from Illumina Laboratory Services, Illumina above.

Illumina Laboratory Services, Illumina
Classification: Benign for Neurofibromatosis-Noonan syndrome. Last evaluated: 2018-01-13. Review status: criteria provided, single submitter. Criteria: ICSL Variant Classification Criteria 13 December 2019. Collection method: clinical testing. Allele origin: germline.
Comment: This variant was observed in the ICSL laboratory as part of a predisposition screen in an ostensibly healthy population. It had not been previously curated by ICSL or reported in the Human Gene Mutation Database (HGMD: prior to June 1st, 2018), and was therefore a candidate for classification through an automated scoring system. Utilizing variant allele frequency, disease prevalence and penetrance estimates, and inheritance mode, an automated score was calculated to assess if this variant is too frequent to cause the disease. Based on the score and internal cut-off values, a variant classified as benign is not then subjected to further curation. The score for this variant resulted in a classification of benign for this disease.

Illumina Laboratory Services, Illumina
Classification: Likely benign for Neurofibromatosis, type 1. Last evaluated: 2018-01-13. Review status: criteria provided, single submitter. Criteria: ICSL Variant Classification Criteria 13 December 2019. Collection method: clinical testing. Allele origin: germline.
Comment: the same text as in the submission from Illumina Laboratory Services, Illumina above.

Ambry Genetics
Classification: Likely benign for Hereditary cancer-predisposing syndrome. Last evaluated: 2014-07-17. Review status: criteria provided, single submitter. Criteria: Ambry Autosomal Dominant and X-Linked criteria (10/2015). Collection method: clinical testing. Allele origin: germline. Observed: 1 variant allele.

PreventionGenetics, part of Exact Sciences
Classification: Likely benign for NF1-related condition. Last evaluated: 2020-01-06. Review status: no assertion criteria provided. Collection method: clinical testing. Allele origin: germline. Not counted in ClinVar's aggregate classification.
Comment: This variant is classified as likely benign based on ACMG/AMP sequence variant interpretation guidelines (Richards et al. 2015 PMID: 25741868, with internal and published modifications).

Literature cited by the submitters: PubMed 10678181 (cited by Women's Health and Genetics/Laboratory Corporation of America, LabCorp); PubMed 23460398 (cited by Women's Health and Genetics/Laboratory Corporation of America, LabCorp).